The following is an entry in ClinVar:

ClinVar aggregate classification (germline): Conflicting classifications of pathogenicity. Review status: criteria provided, conflicting classifications (1 of 4 stars). 2 submissions from 2 submitters: Uncertain significance (1); Likely benign (1). Last evaluated 2022-08-10.

Conditions:
Ullrich congenital muscular dystrophy 1A. Also called: Intermediate COL6-RD; Ullrich congenital muscular dystrophy 1. Identifiers: Orphanet 75840, MedGen C0410179, MONDO:0009681, OMIM 254090.
Bethlem myopathy 1A. Also called: MYOPATHY, BENIGN CONGENITAL, WITH CONTRACTURES; Bethlem Muscular Dystrophy; Bethlem myopathy 1. Identifiers: Orphanet 610, MedGen CN029274, MONDO:0024530, OMIM 158810.

Allele frequency attached by ClinVar (database versions not stated): gnomAD exomes below 0.00001; TOPMed below 0.00001.
gnomAD v4.1: 1 of 1,613,198 alleles (0.000062%); highest among the groups gnomAD compares: Non-Finnish European, 0.000085%; no homozygotes.

Submissions (2):

Labcorp Genetics (formerly Invitae), Labcorp
Classification: Likely benign for Bethlem myopathy 1A. Last evaluated: 2022-08-10. Review status: criteria provided, single submitter. Criteria: Invitae Variant Classification Sherloc (09022015). Collection method: clinical testing. Allele origin: germline.

Baylor Genetics
Classification: Uncertain significance for Ullrich congenital muscular dystrophy 1A. Last evaluated: 2018-12-13. Review status: criteria provided, single submitter. Criteria: ACMG Guidelines, 2015. Collection method: clinical testing. Allele origin: unknown. Affected: yes.
Comment: This variant was determined to be of uncertain significance according to ACMG Guidelines, 2015 [PMID:25741868].

NM_001849.4(COL6A2):c.201C>T (p.Leu67=)

Gene: COL6A2 (collagen type VI alpha 2 chain; plus strand). Cytogenetic location: 21q22.3.
Variant type: single nucleotide variant.
Coding change: c.201C>T on transcript NM_001849.4 (MANE Select); coding-DNA position 201, C replaced by T.
Protein change: p.Leu67=; no amino-acid change (leucine 67 retained).
Molecular consequence: synonymous variant.
Genome position (GRCh38, 1-based): chr21:46,112,064, C>T. VCF-style: chr21-46112064-C-T. GRCh37 (hg19) VCF-style: chr21-47531978-C-T.
Other names: c.201C>T, p.Leu67= (NM_058174.3, NM_058175.3).
Identifiers: ClinVar variation 744109 (VCV000744109.10), dbSNP rs1601216910, ClinGen allele CA513170053.